The following is an entry in ClinVar:

NM_001378902.1(ROS1):c.5308G>C (p.Asp1770His)

Gene: ROS1 (ROS proto-oncogene 1, receptor tyrosine kinase; minus strand). Cytogenetic location: 6q22.1.
Variant type: single nucleotide variant.
Coding change: c.5308G>C on transcript NM_001378902.1 (MANE Select); coding-DNA position 5308, G replaced by C.
Protein change: p.Asp1770His; replaces aspartic acid 1770 with histidine.
Molecular consequence: missense variant.
Genome position (GRCh38, 1-based): chr6:117,329,369, C>G on the plus strand (G>C on the coding strand, the complement: ROS1 is on the minus strand). VCF-style: chr6-117329369-C-G. GRCh37 (hg19) VCF-style: chr6-117650532-C-G.
Other names: c.5314G>C, p.Asp1772His (NM_001378891.1); c.5326G>C, p.Asp1776His (NM_002944.3); short protein forms D1776H, D1770H, D1772H.
Identifiers: ClinVar variation 773729 (VCV000773729.10), dbSNP rs12664076, ClinGen allele CA3974446.

ClinVar aggregate classification (germline): Benign. Review status: criteria provided, multiple submitters, no conflicts (2 of 4 stars). 2 submissions from 2 submitters: Benign (2). Last evaluated 2025-03-01.

Allele frequency attached by ClinVar (database versions not stated): gnomAD exomes 0.00320 and 0.00870; ExAC 0.00970; ESP Exome Variant Server 0.01761; gnomAD 0.01831 and 0.01866; TOPMed 0.02041; 1000 Genomes Project 0.02696; 1000 Genomes Project 30x 0.02858.
gnomAD v4.1: 7,585 of 1,593,874 alleles (0.48%); highest among the groups gnomAD compares: African/African-American, 5.6%; 169 homozygotes.

Submissions (2):

CeGaT Center for Human Genetics Tuebingen
Classification: Benign. Last evaluated: 2025-03-01. Review status: criteria provided, single submitter. Criteria: CeGaT Center For Human Genetics Tuebingen Variant Classification Criteria Version 2. Collection method: clinical testing. Allele origin: germline. Affected: yes. Observed: 1 variant allele.
Comment: ROS1: BP4, BS1, BS2

Labcorp Genetics (formerly Invitae), Labcorp
Classification: Benign. Last evaluated: 2018-08-21. Review status: criteria provided, single submitter. Criteria: Invitae Variant Classification Sherloc (09022015). Collection method: clinical testing. Allele origin: germline.